The following is an entry in ClinVar:

NM_004133.5(HNF4G):c.1098T>C (p.Asn366=)

Gene: HNF4G (hepatocyte nuclear factor 4 gamma; plus strand). Cytogenetic location: 8q21.13.
Variant type: single nucleotide variant.
Coding change: c.1098T>C on transcript NM_004133.5 (MANE Select); coding-DNA position 1098, T replaced by C.
Protein change: p.Asn366=; no amino-acid change (asparagine 366 retained).
Molecular consequence: synonymous variant.
Genome position (GRCh38, 1-based): chr8:75,559,012, T>C. VCF-style: chr8-75559012-T-C. GRCh37 (hg19) VCF-style: chr8-76471247-T-C.
Other names: c.957T>C, p.Asn319= (NM_001330561.2).
Identifiers: ClinVar variation 3904844 (VCV003904844.10).

ClinVar aggregate classification (germline): Likely benign (1 of 4 stars; one submission).

gnomAD v4.1: 5,330 of 1,600,882 alleles (0.33%); highest among the groups gnomAD compares: Non-Finnish European, 0.4%; 12 homozygotes.

Submission:

CeGaT Center for Human Genetics Tuebingen
Classification: Likely benign. Last evaluated: 2025-04-01. Review status: criteria provided, single submitter. Criteria: CeGaT Center For Human Genetics Tuebingen Variant Classification Criteria Version 2. Collection method: clinical testing. Allele origin: germline. Affected: yes. Observed: 1 variant allele.
Comment: HNF4G: BP4, BP7